The following is an entry in ClinVar:

NM_006231.4(POLE):c.5594A>G (p.Tyr1865Cys)

Gene: POLE (DNA polymerase epsilon, catalytic subunit; minus strand). Cytogenetic location: 12q24.33.
Variant type: single nucleotide variant.
Coding change: c.5594A>G on transcript NM_006231.4 (MANE Select); coding-DNA position 5594, A replaced by G.
Protein change: p.Tyr1865Cys; replaces tyrosine 1865 with cysteine.
Molecular consequence: missense variant.
Genome position (GRCh38, 1-based): chr12:132,638,098, T>C on the plus strand (A>G on the coding strand, the complement: POLE is on the minus strand). VCF-style: chr12-132638098-T-C. GRCh37 (hg19) VCF-style: chr12-133214684-T-C.
Other names: short protein forms Y1865C.
Identifiers: ClinVar variation 1450538 (VCV001450538.8), dbSNP rs2138501725, ClinGen allele CA387374141.

ClinVar aggregate classification (germline): Uncertain significance (1 of 4 stars; one submission).

Submission:

Labcorp Genetics (formerly Invitae), Labcorp
Classification: Uncertain significance. Last evaluated: 2023-12-07. Review status: criteria provided, single submitter. Criteria: Invitae Variant Classification Sherloc (09022015). Collection method: clinical testing. Allele origin: germline.
Comment: This sequence change replaces tyrosine, which is neutral and polar, with cysteine, which is neutral and slightly polar, at codon 1865 of the POLE protein (p.Tyr1865Cys). This variant is not present in population databases (gnomAD no frequency). This variant has not been reported in the literature in individuals affected with POLE-related conditions. ClinVar contains an entry for this variant (Variation ID: 1450538). Advanced modeling of protein sequence and biophysical properties (such as structural, functional, and spatial information, amino acid conservation, physicochemical variation, residue mobility, and thermodynamic stability) performed at Invitae indicates that this missense variant is not expected to disrupt POLE protein function with a negative predictive value of 80%. In summary, the available evidence is currently insufficient to determine the role of this variant in disease. Therefore, it has been classified as a Variant of Uncertain Significance.